The following is an entry in ClinVar:

NM_032776.3(JMJD1C):c.2690G>C (p.Arg897Thr)

Gene: JMJD1C (jumonji domain containing 1C; minus strand). Cytogenetic location: 10q21.3.
Variant type: single nucleotide variant.
Coding change: c.2690G>C on transcript NM_032776.3 (MANE Select); coding-DNA position 2690, G replaced by C.
Protein change: p.Arg897Thr; replaces arginine 897 with threonine.
Molecular consequence: missense variant. On other transcripts: non-coding transcript variant (1).
Genome position (GRCh38, 1-based): chr10:63,213,477, C>G on the plus strand (G>C on the coding strand, the complement: JMJD1C is on the minus strand). VCF-style: chr10-63213477-C-G. GRCh37 (hg19) VCF-style: chr10-64973237-C-G.
Other names: c.2144G>C, p.Arg715Thr (NM_001282948.2, NM_001318154.2); c.1826G>C, p.Arg609Thr (NM_001318153.2); c.2576G>C, p.Arg859Thr (NM_001322252.2); c.2033G>C, p.Arg678Thr (NM_001322254.2, NM_001322258.2); c.2690G>C (NM_032776.1); short protein forms R609T, R678T, R715T, R859T, R897T.
Identifiers: ClinVar variation 851781 (VCV000851781.11), dbSNP rs532717116, ClinGen allele CA208375128.

ClinVar aggregate classification (germline): Uncertain significance. Review status: criteria provided, multiple submitters, no conflicts (2 of 4 stars). 2 submissions from 2 submitters: Uncertain significance (2). Last evaluated 2025-10-21.

Conditions:
Early Myoclonic Encephalopathy. Identifiers: MedGen C0270855.

Allele frequency attached by ClinVar (database versions not stated): gnomAD 0.00007 and 0.00010; 1000 Genomes Project 30x 0.00016; gnomAD exomes 0.00002; TOPMed 0.00012; 1000 Genomes Project 0.00020.
gnomAD v4.1: 37 of 1,579,708 alleles (0.0023%); highest among the groups gnomAD compares: Admixed American, 0.047%; no homozygotes.

Submissions (2):

Labcorp Genetics (formerly Invitae), Labcorp
Classification: Uncertain significance for Early Myoclonic Encephalopathy. Last evaluated: 2025-10-21. Review status: criteria provided, single submitter. Criteria: Invitae Variant Classification Sherloc (09022015). Collection method: clinical testing. Allele origin: germline.
Comment: This sequence change replaces arginine, which is basic and polar, with threonine, which is neutral and polar, at codon 897 of the JMJD1C protein (p.Arg897Thr). This variant is present in population databases (rs532717116, gnomAD 0.01%). This variant has not been reported in the literature in individuals affected with JMJD1C-related conditions. ClinVar contains an entry for this variant (Variation ID: 851781). Invitae Evidence Modeling of protein sequence and biophysical properties (such as structural, functional, and spatial information, amino acid conservation, physicochemical variation, residue mobility, and thermodynamic stability) indicates that this missense variant is expected to disrupt JMJD1C protein function with a positive predictive value of 80%. In summary, the available evidence is currently insufficient to determine the role of this variant in disease. Therefore, it has been classified as a Variant of Uncertain Significance.

Ambry Genetics
Classification: Uncertain significance. Last evaluated: 2024-07-05. Review status: criteria provided, single submitter. Criteria: Ambry Variant Classification Scheme 2023. Collection method: clinical testing. Allele origin: germline.